The following is an entry in ClinVar:

NM_001943.5(DSG2):c.2085G>A (p.Thr695=)

Genes: DSG2 (desmoglein 2; plus strand), DSG2-AS1 (DSG2 antisense RNA 1; minus strand). Cytogenetic location: 18q12.1.
Variant type: single nucleotide variant.
Coding change: c.2085G>A on transcript NM_001943.5 (MANE Select); coding-DNA position 2085, G replaced by A.
Protein change: p.Thr695=; no amino-acid change (threonine 695 retained).
Molecular consequence: synonymous variant.
Genome position (GRCh38, 1-based): chr18:31,542,603, G>A. VCF-style: chr18-31542603-G-A. GRCh37 (hg19) VCF-style: chr18-29122566-G-A.
Identifiers: ClinVar variation 466334 (VCV000466334.21), dbSNP rs554396523, ClinGen allele CA044823.

ClinVar aggregate classification (germline): Likely benign. Review status: criteria provided, multiple submitters, no conflicts (2 of 4 stars). 5 submissions from 5 submitters: Likely benign (5). Last evaluated 2025-12-17.

Conditions:
Cardiovascular phenotype. Identifiers: MedGen CN230736.
Arrhythmogenic right ventricular cardiomyopathy (ARVD). Also called: Cardiomyopathy, ARVC; Arrhythmogenic right ventricular dysplasia; Arrhythmogenic cardiomyopathy; Arrhythmogenic Right Ventricular Cardiomyopathy (ARVC). Identifiers: Orphanet 247, MedGen C0349788, MeSH D019571, MONDO:0016587. Disease mechanism: loss of function. Inheritance: Various modes of inheritance.
Cardiomyopathy (CMYO). Also called: Cardiomyopathies. Identifiers: Orphanet 167848, MedGen C0878544, MONDO:0004994, HP:0001638. Inheritance: Various modes of inheritance.
Arrhythmogenic right ventricular dysplasia 10. Also called: Arrhythmogenic right ventricular dysplasia/cardiomyopathy, type 10; Arrhythmogenic Right Ventricular Dysplasia/Cardiomyopathy10; ARRHYTHMOGENIC RIGHT VENTRICULAR DYSPLASIA, FAMILIAL, 10. Identifiers: MedGen C1857777, MONDO:0012434, OMIM 610193.

Allele frequency attached by ClinVar (database versions not stated): TOPMed 0.00002; ExAC 0.00003; gnomAD exomes 0.00004; gnomAD 0.00006; 1000 Genomes Project 30x 0.00016; 1000 Genomes Project 0.00020.
gnomAD v4.1: 47 of 1,614,132 alleles (0.0029%); highest among the groups gnomAD compares: Middle Eastern, 0.05%; no homozygotes.

Submissions (5):

Labcorp Genetics (formerly Invitae), Labcorp
Classification: Likely benign for Arrhythmogenic right ventricular dysplasia 10. Last evaluated: 2025-12-17. Review status: criteria provided, single submitter. Criteria: Invitae Variant Classification Sherloc (09022015). Collection method: clinical testing. Allele origin: germline.

All of Us Research Program, National Institutes of Health
Classification: Likely benign for Arrhythmogenic right ventricular cardiomyopathy. Last evaluated: 2023-12-18. Review status: criteria provided, single submitter. Criteria: ACMG Guidelines, 2015. Collection method: clinical testing. Allele origin: germline. Inheritance: Autosomal dominant inheritance. Observed: 8 variant alleles, 8 heterozygotes.
Comment: This study involves interpretation of variants in research participants for the purpose of population health screening. Participant phenotype was not available at the time of variant classification. Additional details can be found in publication PMID: 35346344, PMCID: PMC8962531

Color Diagnostics, LLC DBA Color Health
Classification: Likely benign for Cardiomyopathy. Last evaluated: 2018-11-30. Review status: criteria provided, single submitter. Criteria: ACMG Guidelines, 2015. Collection method: clinical testing. Allele origin: germline.

Laboratory for Molecular Medicine, Mass General Brigham Personalized Medicine
Classification: Likely benign. Last evaluated: 2017-02-10. Review status: criteria provided, single submitter. Criteria: LMM Criteria. Collection method: clinical testing. Allele origin: germline. Observed: 1 variant allele.
Comment: p.Thr695Thr in exon 14 of DSG2: This variant is not expected to have clinical si gnificance because it does not alter an amino acid residue and is not located wi thin the splice consensus sequence. It has been identified in 4/66734 European c hromosomes by the Exome Aggregation Consortium (ExAC .org; dbSNP rs554396523).

Ambry Genetics
Classification: Likely benign for Cardiovascular phenotype. Last evaluated: 2016-06-29. Review status: criteria provided, single submitter. Criteria: Ambry Variant Classification Scheme 2023. Collection method: clinical testing. Allele origin: germline.